The following is an entry in ClinVar:

ClinVar aggregate classification (germline): Benign. Review status: criteria provided, multiple submitters, no conflicts (2 of 4 stars). 7 submissions from 7 submitters: Benign (7). Last evaluated 2026-04-14.

Conditions:
Progressive familial intrahepatic cholestasis type 1. Also called: BYLER DISEASE; Byler's disease; Severe ATP8B1 Deficiency (Progressive Familial Intrahepatic Cholestasis Type 1 [PFIC1]). Identifiers: Orphanet 79306, MedGen C4551898, MONDO:0008892, OMIM 211600.
Familial intrahepatic cholestasis. Identifiers: Orphanet 284385, MedGen CN296401, MONDO:0017290.

Allele frequency attached by ClinVar (database versions not stated): ESP Exome Variant Server 0.00008; gnomAD 0.00137 and 0.00196; TOPMed 0.00194; ExAC 0.00392; 1000 Genomes Project 30x 0.00921; 1000 Genomes Project 0.01078.
gnomAD v4.1: 2,790 of 1,611,248 alleles (0.17%); highest among the groups gnomAD compares: East Asian, 5%; 74 homozygotes.

Submissions (7):

Genomenon, Inc
Classification: Benign for Familial intrahepatic cholestasis. Last evaluated: 2026-04-14. Review status: criteria provided, single submitter. Criteria: Genomenon Sequence Variant Interpretation Standards - Updated. Collection method: curation. Allele origin: germline. Affected: no.
Comment: ATP8B1 c.3744C>A is a synonymous variant that retains Threonine at residue 1248. This variant is present at high allele frequency in population databases. In conclusion, we classify ATP8B1 p.Thr1248= (c.3744C>A) as a benign variant.

Labcorp Genetics (formerly Invitae), Labcorp
Classification: Benign. Last evaluated: 2026-02-04. Review status: criteria provided, single submitter. Criteria: Invitae Variant Classification Sherloc (09022015). Collection method: clinical testing. Allele origin: germline.

Illumina Laboratory Services, Illumina
Classification: Benign for Progressive familial intrahepatic cholestasis type 1. Last evaluated: 2018-01-13. Review status: criteria provided, single submitter. Criteria: ICSL Variant Classification Criteria 13 December 2019. Collection method: clinical testing. Allele origin: germline.
Comment: This variant was observed in the ICSL laboratory as part of a predisposition screen in an ostensibly healthy population. It had not been previously curated by ICSL or reported in the Human Gene Mutation Database (HGMD: prior to June 1st, 2018), and was therefore a candidate for classification through an automated scoring system. Utilizing variant allele frequency, disease prevalence and penetrance estimates, and inheritance mode, an automated score was calculated to assess if this variant is too frequent to cause the disease. Based on the score and internal cut-off values, a variant classified as benign is not then subjected to further curation. The score for this variant resulted in a classification of benign for this disease.

GeneDx
Classification: Benign. Last evaluated: 2017-02-16. Review status: criteria provided, single submitter. Criteria: GeneDx Variant Classification (06012015). Collection method: clinical testing. Allele origin: germline. Affected: yes.
Comment: This variant is considered likely benign or benign based on one or more of the following criteria: it is a conservative change, it occurs at a poorly conserved position in the protein, it is predicted to be benign by multiple in silico algorithms, and/or has population frequency not consistent with disease.

Eurofins Ntd Llc (ga)
Classification: Benign. Last evaluated: 2015-10-05. Review status: criteria provided, single submitter. Criteria: EGL Classification Definitions 2015. Collection method: clinical testing. Allele origin: germline. Observed: 1 variant allele, 1 heterozygote.

Breakthrough Genomics
Classification: Benign. Review status: criteria provided, single submitter. Criteria: ACMG Guidelines, 2015. Collection method: not provided. Allele origin: germline. Inheritance: Autosomal recessive inheritance. Affected: yes.

PreventionGenetics, part of Exact Sciences
Classification: Benign. Review status: criteria provided, single submitter. Criteria: ACMG Guidelines, 2015. Collection method: clinical testing. Allele origin: germline.

NM_001374385.1(ATP8B1):c.3744C>A (p.Thr1248=)

Genes: ATP8B1 (ATPase phospholipid transporting 8B1; minus strand), ATP8B1-AS1 (ATP8B1 antisense RNA 1; plus strand). Cytogenetic location: 18q21.31.
Variant type: single nucleotide variant.
Coding change: c.3744C>A on transcript NM_001374385.1 (MANE Select); coding-DNA position 3744, C replaced by A.
Protein change: p.Thr1248=; no amino-acid change (threonine 1248 retained).
Molecular consequence: synonymous variant.
Genome position (GRCh38, 1-based): chr18:57,648,500, G>T on the plus strand (C>A on the coding strand, the complement: ATP8B1 is on the minus strand). VCF-style: chr18-57648500-G-T. GRCh37 (hg19) VCF-style: chr18-55315732-G-T.
Other names: c.3594C>A, p.Thr1198= (NM_001374386.1); c.3744C>A, p.Thr1248= (NM_005603.6).
Identifiers: ClinVar variation 259825 (VCV000259825.20), dbSNP rs2271771, ClinGen allele CA8973919.